The following is an entry in ClinVar:

NM_002185.5(IL7R):c.205C>G (p.Leu69Val)

Gene: IL7R (interleukin 7 receptor; plus strand). Cytogenetic location: 5p13.2.
Variant type: single nucleotide variant.
Coding change: c.205C>G on transcript NM_002185.5 (MANE Select); coding-DNA position 205, C replaced by G.
Protein change: p.Leu69Val; replaces leucine 69 with valine.
Molecular consequence: missense variant. On other transcripts: non-coding transcript variant (1).
Genome position (GRCh38, 1-based): chr5:35,860,974, C>G. VCF-style: chr5-35860974-C-G. GRCh37 (hg19) VCF-style: chr5-35861076-C-G.
Other names: NM_002185.5(IL7R):c.205C>G; p.Leu69Val; short protein forms L69V.
Identifiers: ClinVar variation 800346 (VCV000800346.1), dbSNP rs1580851879, ClinGen allele CA359427024.

ClinVar aggregate classification (germline): Uncertain significance. Review status: reviewed by expert panel (3 of 4 stars). 2 submissions from 2 submitters: Uncertain significance (1). 1 of the submissions does not count toward it. Last evaluated 2024-04-01.

Conditions:
Multiple myeloma (MM). Also called: Plasma cell myeloma; Multiple myeloma, somatic. Identifiers: Orphanet 29073, Orphanet 85443, MedGen C0026764, MeSH D009101, MONDO:0009693, OMIM 254500, HP:0006775.
Immunodeficiency 104. Also called: Severe combined immunodeficiency, autosomal recessive, T cell-negative, B cell-positive, NK cell-positive; Severe Combined Immune Deficiency, Autosomal Recessive, TCell -Negative, B Cell-Positive, NK Cell-Positive, IL7R-Related; IMMUNODEFICIENCY 104, SEVERE COMBINED; SCID, AUTOSOMAL RECESSIVE, T CELL-NEGATIVE, B CELL-POSITIVE, NK CELL-POSITIVE. Identifiers: MedGen C5676890, MONDO:0012163, OMIM 608971.

Submissions (2):

ClinGen Severe Combined Immunodeficiency Variant Curation Expert Panel, ClinGen
Classification: Uncertain significance for Immunodeficiency 104. Last evaluated: 2024-04-01. Review status: reviewed by expert panel. Criteria: ClinGen SCID ACMG Specifications IL7R V1.0.0. Collection method: curation. Allele origin: germline. Inheritance: Autosomal recessive inheritance.
Comment: NM_002185.5(IL7R):c.205C>G is a missense variant predicted to cause substitution of Leucine by Valine at amino acid 69 (p.Leu69Val). The variant is absent in gnomAD v4 (PM2_supporting). To our knowledge, this variant has not been reported in the literature in individuals affected with IL7R-related conditions or in functional studies. In summary, this variant meets the criteria to be classified as a variant of uncertain significance for autosomal recessive severe combined immunodeficiency due to IL7R deficiency based on the ACMG/AMP criteria applied, as specified by the ClinGen SCID VCEP: PM2_Supporting (VCEP specifications version 1).

Xiao lab, Department of Pathology, Memorial Sloan Kettering Cancer Center
Classification: Likely pathogenic for Multiple myeloma. Last evaluated: 2019-08-31. Review status: no assertion criteria provided. Collection method: clinical testing. Allele origin: somatic. Affected: yes. Not counted in ClinVar's aggregate classification.